The following is an entry in ClinVar:

ClinVar aggregate classification (germline): Benign/Likely benign. Review status: criteria provided, multiple submitters, no conflicts (2 of 4 stars). 2 submissions from 2 submitters: Benign (1); Likely benign (1). Last evaluated 2024-08-29.

Conditions:
Familial cancer of breast. Also called: Hereditary breast cancer; hereditary breast carcinoma; BREAST CANCER, FAMILIAL. Identifiers: Orphanet 227535, MedGen C0346153, MONDO:0016419, OMIM 114480. Disease mechanism: loss of function.
Fanconi anemia complementation group J. Also called: BRIP1-Related Fanconi Anemia. Identifiers: Orphanet 84, MedGen C1836860, MONDO:0012187, OMIM 609054.

Submissions (2):

Myriad Genetics, Inc.
Classification: Benign for Familial cancer of breast. Last evaluated: 2024-08-29. Review status: criteria provided, single submitter. Criteria: Myriad Autosomal Dominant, Autosomal Recessive and X-Linked Classification Criteria (2023). Collection method: clinical testing. Allele origin: unknown.
Comment: This variant is considered benign. This variant is a silent/synonymous amino acid change and it is not expected to impact splicing.

Labcorp Genetics (formerly Invitae), Labcorp
Classification: Likely benign for Familial cancer of breast; Fanconi anemia complementation group J. Last evaluated: 2023-03-30. Review status: criteria provided, single submitter. Criteria: Invitae Variant Classification Sherloc (09022015). Collection method: clinical testing. Allele origin: germline.

NM_032043.3(BRIP1):c.1779C>T (p.Cys593=)

Gene: BRIP1 (BRCA1 interacting DNA helicase 1; minus strand). Cytogenetic location: 17q23.2.
Variant type: single nucleotide variant.
Coding change: c.1779C>T on transcript NM_032043.3 (MANE Select); coding-DNA position 1779, C replaced by T.
Protein change: p.Cys593=; no amino-acid change (cysteine 593 retained).
Molecular consequence: synonymous variant.
Genome position (GRCh38, 1-based): chr17:61,780,855, G>A on the plus strand (C>T on the coding strand, the complement: BRIP1 is on the minus strand). VCF-style: chr17-61780855-G-A. GRCh37 (hg19) VCF-style: chr17-59858216-G-A.
Identifiers: ClinVar variation 2927589 (VCV002927589.4), dbSNP rs2145090668, ClinGen allele CA501150452.